The following is an entry in ClinVar:

NM_001372076.1(PAX9):c.*818C>T

Gene: PAX9 (paired box 9; plus strand). Cytogenetic location: 14q13.3.
Variant type: single nucleotide variant.
Coding change: c.*818C>T on transcript NM_001372076.1 (MANE Select); 818 bases downstream of the stop codon, C replaced by T.
Molecular consequence: 3 prime UTR variant.
Genome position (GRCh38, 1-based): chr14:36,677,270, C>T. VCF-style: chr14-36677270-C-T. GRCh37 (hg19) VCF-style: chr14-37146475-C-T.
Other names: c.*818C>T (NM_006194.4).
Identifiers: ClinVar variation 313183 (VCV000313183.6), dbSNP rs11847165, ClinGen allele CA10645347.

ClinVar aggregate classification (germline): Benign. Review status: criteria provided, multiple submitters, no conflicts (2 of 4 stars). 2 submissions from 2 submitters: Benign (2). Last evaluated 2018-01-12.

Conditions:
Tooth agenesis, selective, 3 (STHAG3). Also called: HYPODONTIA/OLIGODONTIA 3. Identifiers: Orphanet 99798, MedGen C1970291, MONDO:0011477, OMIM 604625. Disease mechanism: loss of function.

Allele frequency attached by ClinVar (database versions not stated): gnomAD exomes 0.11250; gnomAD 0.18983 and 0.19050; TOPMed 0.19836; 1000 Genomes Project 0.22165; 1000 Genomes Project 30x 0.22548.
gnomAD v4.1: 28,811 of 151,858 alleles (19%); highest among the groups gnomAD compares: Admixed American, 32%; 3,022 homozygotes.

Submissions (2):

Illumina Laboratory Services, Illumina
Classification: Benign for Tooth agenesis, selective, 3. Last evaluated: 2018-01-12. Review status: criteria provided, single submitter. Criteria: ICSL Variant Classification Criteria 13 December 2019. Collection method: clinical testing. Allele origin: germline.
Comment: This variant was observed in the ICSL laboratory as part of a predisposition screen in an ostensibly healthy population. It had not been previously curated by ICSL or reported in the Human Gene Mutation Database (HGMD: prior to June 1st, 2018), and was therefore a candidate for classification through an automated scoring system. Utilizing variant allele frequency, disease prevalence and penetrance estimates, and inheritance mode, an automated score was calculated to assess if this variant is too frequent to cause the disease. Based on the score and internal cut-off values, a variant classified as benign is not then subjected to further curation. The score for this variant resulted in a classification of benign for this disease.

Breakthrough Genomics
Classification: Benign. Review status: criteria provided, single submitter. Criteria: ACMG Guidelines, 2015. Collection method: not provided. Allele origin: germline. Inheritance: Autosomal dominant inheritance. Affected: yes.